The following is an entry in ClinVar:

NM_004104.5(FASN):c.3442C>G (p.Leu1148Val)

Gene: FASN (fatty acid synthase; minus strand). Cytogenetic location: 17q25.3.
Variant type: single nucleotide variant.
Coding change: c.3442C>G on transcript NM_004104.5 (MANE Select); coding-DNA position 3442, C replaced by G.
Protein change: p.Leu1148Val; replaces leucine 1148 with valine.
Molecular consequence: missense variant.
Genome position (GRCh38, 1-based): chr17:82,086,544, G>C on the plus strand (C>G on the coding strand, the complement: FASN is on the minus strand). VCF-style: chr17-82086544-G-C. GRCh37 (hg19) VCF-style: chr17-80044420-G-C.
Other names: short protein forms L1148V.
Identifiers: ClinVar variation 2733324 (VCV002733324.3), dbSNP rs776385465, ClinGen allele CA8852367.
Genomic context (GRCh38, chr17:82,086,544, plus strand): 5'-GGGCCCCATCCAGTCCGGGCACCACCATCTTCAGCCCCTGCTGGGTCACCTTGGTCTGCA[G>C]TGCCTGCACCAGCCCTGGGGAGGGAGGGAGGCAGGCCTGGTGTTCCCAAAGCCCCAGGGC-3'
Protein context (NP_004095.4, residues 1138-1158): LQLCKGLVQA[Leu1148Val]QTKVTQQGLK

ClinVar aggregate classification (germline): Uncertain significance (1 of 4 stars; one submission).

Conditions:
Epileptic encephalopathy. Identifiers: MedGen C0543888, HP:0200134.

Allele frequency attached by ClinVar (database versions not stated): gnomAD 0.00001; gnomAD exomes 0.00004; ExAC 0.00015.
gnomAD v4.1: 65 of 1,611,446 alleles (0.004%); highest among the groups gnomAD compares: South Asian, 0.066%; no homozygotes.

Submission:

Labcorp Genetics (formerly Invitae), Labcorp
Classification: Uncertain significance for Epileptic encephalopathy. Last evaluated: 2023-12-25. Review status: criteria provided, single submitter. Criteria: Invitae Variant Classification Sherloc (09022015). Collection method: clinical testing. Allele origin: germline.
Comment: This sequence change replaces leucine, which is neutral and non-polar, with valine, which is neutral and non-polar, at codon 1148 of the FASN protein (p.Leu1148Val). This variant is present in population databases (rs776385465, gnomAD 0.07%), and has an allele count higher than expected for a pathogenic variant. This variant has not been reported in the literature in individuals affected with FASN-related conditions. An algorithm developed to predict the effect of missense changes on protein structure and function (PolyPhen-2) suggests that this variant is likely to be tolerated. In summary, the available evidence is currently insufficient to determine the role of this variant in disease. Therefore, it has been classified as a Variant of Uncertain Significance.